The following is an entry in ClinVar:

NM_001904.4(CTNNB1):c.1954+1G>A

Gene: CTNNB1 (catenin beta 1; plus strand). Cytogenetic location: 3p22.1.
Variant type: single nucleotide variant.
Coding change: c.1954+1G>A on transcript NM_001904.4 (MANE Select); the canonical splice donor site of the intron after coding-DNA position 1954, G replaced by A.
Molecular consequence: splice donor variant.
Genome position (GRCh38, 1-based): chr3:41,236,500, G>A. VCF-style: chr3-41236500-G-A. GRCh37 (hg19) VCF-style: chr3-41277991-G-A.
Other names: c.1933+1G>A (NM_001330729.2); c.1954+1G>A (NM_001098209.2, NM_001098210.2).
Identifiers: ClinVar variation 2632398 (VCV002632398.2), dbSNP rs2125646355, ClinGen allele CA352236415.

ClinVar aggregate classification (germline): Likely pathogenic (1 of 4 stars; one submission).

Conditions:
CTNNB1-related disorder. Also called: CTNNB1-related condition.

Submission:

PreventionGenetics, part of Exact Sciences
Classification: Likely pathogenic for CTNNB1-related condition. Last evaluated: 2025-01-02. Review status: criteria provided, single submitter. Criteria: ACMG Guidelines, 2015. Collection method: clinical testing. Allele origin: germline.
Comment: The CTNNB1 c.1954+1G>A variant is predicted to disrupt the GT donor site and interfere with normal splicing. To our knowledge, this variant has not been reported in the literature or in a large population database (gnomAD), indicating this variant is rare. Variants that disrupt the consensus splice donor site in CTNNB1 are expected to be pathogenic. This variant is interpreted as likely pathogenic.